The following is an entry in ClinVar:

ClinVar aggregate classification (germline): Uncertain significance (1 of 4 stars; one submission).

Allele frequency attached by ClinVar (database versions not stated): gnomAD exomes 0.00001 and 0.00002; ExAC 0.00002.
gnomAD v4.1: 9 of 1,613,218 alleles (0.00056%); highest among the groups gnomAD compares: South Asian, 0.0088%; no homozygotes.

Submission:

Biesecker Lab/Clinical Genomics Section, National Institutes of Health
Classification: Uncertain significance. Last evaluated: 2013-06-24. Review status: criteria provided, single submitter. Criteria: Ng et al. (Circ Cardiovasc Genet. 2013). Collection method: research. Allele origin: unknown. Observed: 1 variant allele. Study: ClinSeq.
Comment: The study set was not selected for affection status in relation to any cancer. Pathogenicity categories were based on literature curation. See Pubmed ID:23861362 for details.

Medical sequencing

NM_001267550.2(TTN):c.19535C>T (p.Ala6512Val)

Gene: TTN (titin; minus strand). Cytogenetic location: 2q31.2.
Variant type: single nucleotide variant.
Coding change: c.19535C>T on transcript NM_001267550.2 (MANE Select); coding-DNA position 19535, C replaced by T.
Protein change: p.Ala6512Val; replaces alanine 6512 with valine.
Molecular consequence: missense variant. On other transcripts: intron variant (3).
Genome position (GRCh38, 1-based): chr2:178,728,289, G>A on the plus strand (C>T on the coding strand, the complement: TTN is on the minus strand). VCF-style: chr2-178728289-G-A. GRCh37 (hg19) VCF-style: chr2-179593016-G-A.
Other names: c.18584C>T, p.Ala6195Val (NM_001256850.1); c.15803C>T, p.Ala5268Val (NM_133378.4); c.13282+9793C>T (NM_003319.4); c.13858+9793C>T (NM_133437.4); c.13657+9793C>T (NM_133432.3); short protein forms A5268V, A6512V, A6195V.
Identifiers: ClinVar variation 192022 (VCV000192022.1), dbSNP rs200902581, ClinGen allele CA238123.
Genomic context (GRCh38, chr2:178,728,289, plus strand): 5'-TGGCACACAAGTCTGTATTTTGCACTTGTAGATATTTCTTTTCCATCCTTAAACCACTGA[G>A]CACTAATGGGAAGTGAACCAGACACCTTGCACTCCATATGAATAGAAGAGCCCAGAACTT-3'
Protein context (NP_001254479.2, residues 6502-6522): CKVSGSLPIS[Ala6512Val]QWFKDGKEIS